The following is an entry in ClinVar:

ClinVar aggregate classification (germline): Pathogenic. Review status: criteria provided, multiple submitters, no conflicts (2 of 4 stars). 14 submissions from 14 submitters: Pathogenic (13). 1 of the submissions does not count toward it. Last evaluated 2025-10-30.

Conditions:
Type 2 diabetes mellitus. Also called: Type II diabetes mellitus. Identifiers: MedGen C0011860, MeSH D003924, MONDO:0005148, OMIM 125853, HP:0005978.
Nonpapillary renal cell carcinoma. Identifiers: Orphanet 422526, MedGen CN074294, MONDO:0007763, OMIM 144700.
Renal cysts and diabetes syndrome (RCAD). Also called: MATURITY-ONSET DIABETES OF THE YOUNG, TYPE 5; Familial hypoplastic, glomerulocystic kidney. Identifiers: Orphanet 93111, MedGen C0431693, MONDO:0007669, OMIM 137920.
HNF1B-related disorder. Also called: HNF1B-related condition; HNF1B-related disorders.
Maturity-onset diabetes of the young (MODY). Also called: Maturity onset diabetes mellitus in young. Identifiers: Orphanet 552, MedGen C0342276, MONDO:0018911, HP:0004904.

Submissions (14):

Women's Health and Genetics/Laboratory Corporation of America, LabCorp
Classification: Pathogenic for Maturity-onset diabetes of the young. Last evaluated: 2025-10-30. Review status: criteria provided, single submitter. Criteria: LabCorp Variant Classification Summary - May 2015. Collection method: clinical testing. Allele origin: germline.
Comment: Variant summary: HNF1B c.541C>T (p.Arg181X) results in a premature termination codon, predicted to cause absence of the protein due to nonsense mediated decay, which is a commonly known mechanism for disease. The variant was absent in 251180 control chromosomes (gnomAD). c.541C>T has been observed in individuals affected with Maturity Onset Diabetes Of The Young 5 (Renal Cysts And Diabetes Syndrome)(e.g., Bellanne-Chantelot_2004, Imafidon_2021). The following publications have been ascertained in the context of this evaluation (PMID: 15068978, 34136434). ClinVar contains an entry for this variant (Variation ID: 372381). Based on the evidence outlined above, the variant was classified as pathogenic.

Department of Pediatric Nephrology, Wuhan Children's Hospital
Classification: Pathogenic for Renal cysts and diabetes syndrome. Last evaluated: 2025-07-23. Review status: criteria provided, single submitter. Criteria: ACMG Guidelines, 2015. Collection method: clinical testing. Allele origin: paternal. Affected: yes.

Dasa
Classification: Pathogenic. Last evaluated: 2025-05-25. Review status: criteria provided, single submitter. Criteria: DASA Assertion Criteria. Collection method: clinical testing. Allele origin: germline.
Comment: NM_000458.4(HNF1B):c.541C>T (p.Arg181*) introduces a premature termination codon predicted to result in loss of normal protein function. Loss-of-function is an established mechanism of disease for this gene. This variant has been recurrently observed in individuals with related phenotype (PMID: 32708349; PMID: 29100090; PMID: 15068978; PMID: 15930087; PMID: 21380624). Segregation evidence has been reported in affected families. The variant is present at low frequency in population datasets. Based on the available data, this variant is classified as pathogenic.

Fulgent Genetics
Classification: Pathogenic for Type 2 diabetes mellitus; Renal cysts and diabetes syndrome; Nonpapillary renal cell carcinoma. Last evaluated: 2024-03-28. Review status: criteria provided, single submitter. Criteria: ACMG Guidelines, 2015. Collection method: clinical testing. Allele origin: germline.

Blueprint Genetics
Classification: Pathogenic for HNF1B-related disorders. Last evaluated: 2024-03-27. Review status: criteria provided, single submitter. Criteria: ACMG Guidelines, 2015. Collection method: clinical testing. Allele origin: germline. Affected: yes. Observed: 3 variant alleles.

Centre of Medical Genetics, University Hospital Muenster
Classification: Pathogenic. Last evaluated: 2024-03-12. Review status: criteria provided, single submitter. Criteria: ACMG Guidelines, 2015. Collection method: clinical testing. Allele origin: unknown. Affected: yes. Observed: 1 variant allele, 1 heterozygote.
Comment: ACMG categories: PVS1,PM2,PP5

GeneDx
Classification: Pathogenic. Last evaluated: 2023-07-24. Review status: criteria provided, single submitter. Criteria: GeneDx Variant Classification Process June 2021. Collection method: clinical testing. Allele origin: germline. Affected: yes.
Comment: Nonsense variant predicted to result in protein truncation or nonsense mediated decay in a gene for which loss-of-function is a known mechanism of disease; Not observed at significant frequency in large population cohorts (gnomAD); This variant is associated with the following publications: (PMID: 15068978, 24897035, 32164334, 30860651, 32708349, 21380624, 16249435, 15930087, 29100090, 27615128, 16133182, 28324003, 34136434)

Labcorp Genetics (formerly Invitae), Labcorp
Classification: Pathogenic. Last evaluated: 2022-06-13. Review status: criteria provided, single submitter. Criteria: Invitae Variant Classification Sherloc (09022015). Collection method: clinical testing. Allele origin: germline.
Comment: This variant is not present in population databases (gnomAD no frequency). This sequence change creates a premature translational stop signal (p.Arg181*) in the HNF1B gene. It is expected to result in an absent or disrupted protein product. Loss-of-function variants in HNF1B are known to be pathogenic (PMID: 9398836, 12148114, 15068978, 20378641). This premature translational stop signal has been observed in individual(s) with HNF1B-related conditions (PMID: 15068978, 21380624, 29100090, 32164334). ClinVar contains an entry for this variant (Variation ID: 372381). For these reasons, this variant has been classified as Pathogenic.

Clinical Genetics Laboratory, Skane University Hospital Lund
Classification: Pathogenic. Last evaluated: 2022-05-27. Review status: criteria provided, single submitter. Criteria: ACMG Guidelines, 2015. Collection method: clinical testing. Allele origin: germline. Affected: yes.

Institute of Human Genetics, FAU Erlangen, Friedrich-Alexander-Universität Erlangen-Nürnberg
Classification: Pathogenic for Renal cysts and diabetes syndrome. Last evaluated: 2019-07-06. Review status: criteria provided, single submitter. Criteria: ACMG Guidelines, 2015. Collection method: literature only. Allele origin: germline. Affected: yes.
Comment: This variant and it's classification has been reported by Vasileiou et al. 2019; DOI:10.1101/576918. The variants has previously been reported in ClinVar:372381; PMID:25700310; PMID:16249435; PMID:15930087; PMID:15068978; PMID:21380624; PMID:24897035; PMID:15068978; PMID:27234567; PMID:25536396 as "NM_000458.3(HNF1B):c.541C>T (p.Arg181Ter); c.541C>T; c.547 C>T p.Arg181X; c.541C>T p.R181*; c.541C>T" with clinical significance Pathogenic. It has been re-classified using InterVar and manual curation as Pathogenic based on PVS1 PM2 PP3.

Ambry Genetics
Classification: Pathogenic for Maturity-onset diabetes of the young. Last evaluated: 2018-04-25. Review status: criteria provided, single submitter. Criteria: Ambry Variant Classification Scheme 2023. Collection method: clinical testing. Allele origin: germline.
Comment: The p.R181* pathogenic mutation (also known as c.541C>T), located in coding exon 2 of the HNF1B gene, results from a C to T substitution at nucleotide position 541. This changes the amino acid from an arginine to a stop codon within coding exon 2. In another family, this mutation was identified in a father with diabetes and renal cysts and three of his young children also with renal cysts (Edghill EL et al. J. Med. Genet., 2006 Jan;43:84-90). Finally, this mutation was identified in a child with renal hypodysplasia (Thomas R et al. Pediatr. Nephrol., 2011 Jun;26:897-903). In addition to the clinical data presented in the literature, this alteration is expected to result in loss of function by premature protein truncation or nonsense-mediated mRNA decay. As such, this alteration is interpreted as a disease-causing mutation.

Eurofins Ntd Llc (ga)
Classification: Pathogenic. Last evaluated: 2017-04-10. Review status: criteria provided, single submitter. Criteria: EGL Classification Definitions 2015. Collection method: clinical testing. Allele origin: germline. Observed: 2 variant alleles, 2 heterozygotes.

Juno Genomics, Hangzhou Juno Genomics, Inc
Classification: Pathogenic for Renal cysts and diabetes syndrome. Review status: criteria provided, single submitter. Criteria: ACMG Guidelines, 2015. Collection method: clinical testing. Allele origin: germline. Affected: yes.
Comment: Absent from controls (or at extremely low frequency if recessive) in Genome Aggregation Database, Exome Sequencing Project, 1000 Genomes Project, or Exome Aggregation Consortium.;Null variant in a gene where loss of function (LOF) is a known mechanism of disease.;The prevalence of the variant in affected individuals is significantly increased compared to the prevalence in controls.;Patient's phenotype or family history is highly specific for a disease with a single genetic etiology.

Gharavi Laboratory, Columbia University
Classification: Pathogenic for Renal cysts and diabetes syndrome. Last evaluated: 2024-11-05. Review status: no assertion criteria provided. Criteria: ACMG Guidelines, 2015. Collection method: case-control. Allele origin: germline. Affected: yes. Not counted in ClinVar's aggregate classification.

Literature cited by the submitters: PubMed 34136434 (cited by Women's Health and Genetics/Laboratory Corporation of America, LabCorp); PubMed 15068978 (cited by 5 submitters); PubMed 32708349 (cited by Dasa); PubMed 29100090 (cited by Dasa and Labcorp Genetics (formerly Invitae), Labcorp); PubMed 15930087 (cited by 3 submitters); PubMed 21380624 (cited by 4 submitters); PubMed 9398836 (cited by Labcorp Genetics (formerly Invitae), Labcorp); PubMed 12148114 (cited by Labcorp Genetics (formerly Invitae), Labcorp); PubMed 20378641 (cited by Labcorp Genetics (formerly Invitae), Labcorp); PubMed 32164334 (cited by Labcorp Genetics (formerly Invitae), Labcorp); PubMed 25700310 (cited by Institute of Human Genetics, FAU Erlangen, Friedrich-Alexander-Universität Erlangen-Nürnberg); PubMed 16249435 (cited by Institute of Human Genetics, FAU Erlangen, Friedrich-Alexander-Universität Erlangen-Nürnberg); PubMed 24897035 (cited by Institute of Human Genetics, FAU Erlangen, Friedrich-Alexander-Universität Erlangen-Nürnberg); PubMed 27234567 (cited by Institute of Human Genetics, FAU Erlangen, Friedrich-Alexander-Universität Erlangen-Nürnberg); PubMed 25536396 (cited by Institute of Human Genetics, FAU Erlangen, Friedrich-Alexander-Universität Erlangen-Nürnberg); DOI 10.1101/576918 (cited by Institute of Human Genetics, FAU Erlangen, Friedrich-Alexander-Universität Erlangen-Nürnberg).

NM_000458.4(HNF1B):c.541C>T (p.Arg181Ter)

Gene: HNF1B (HNF1 homeobox B; minus strand). Cytogenetic location: 17q12.
Variant type: single nucleotide variant.
Coding change: c.541C>T on transcript NM_000458.4 (MANE Select); coding-DNA position 541, C replaced by T.
Protein change: p.Arg181Ter; replaces arginine 181 with a stop codon.
Molecular consequence: nonsense.
Genome position (GRCh38, 1-based): chr17:37,739,443, G>A on the plus strand (C>T on the coding strand, the complement: HNF1B is on the minus strand). VCF-style: chr17-37739443-G-A. GRCh37 (hg19) VCF-style: chr17-36099434-G-A.
Other names: p.R181X; c.541C>T (NM_001165923.3); c.541C>T, p.Arg181Ter (NM_001165923.4, NM_001304286.2); short protein forms R181*.
Identifiers: ClinVar variation 372381 (VCV000372381.29), dbSNP rs1057517744, ClinGen allele CA16043028.